The following is an entry in ClinVar:

ClinVar aggregate classification (germline): Pathogenic. Review status: criteria provided, multiple submitters, no conflicts (2 of 4 stars). 10 submissions from 10 submitters: Pathogenic (10). Last evaluated 2026-04-24.

Conditions:
PKD1-related disorder. Also called: PKD1-related condition.
Inborn genetic diseases. Identifiers: MedGen C0950123, MeSH D030342.
Polycystic kidney disease, adult type (PKD1). Also called: POLYCYSTIC KIDNEY DISEASE, ADULT, TYPE I; Polycystic Kidney Disease 1, Autosomal Dominant; Polycystic kidney disease 1; Polycystic kidney disease 1, severe; Polycystic Kidney, Autosomal Dominant; POLYCYSTIC KIDNEY DISEASE 1 WITH OR WITHOUT POLYCYSTIC LIVER DISEASE. Identifiers: MedGen C3149841, MONDO:0008263, OMIM 173900.

Submissions (10):

PreventionGenetics, part of Exact Sciences
Classification: Pathogenic for PKD1-related condition. Last evaluated: 2026-04-24. Review status: criteria provided, single submitter. Criteria: ACMG Guidelines, 2015. Collection method: clinical testing. Allele origin: germline.
Comment: The PKD1 c.7126C>T variant is predicted to result in premature protein termination (p.Gln2376*). This variant was reported in individuals with polycystic kidney disease (Rossetti et al. 2002. PubMed ID: 11967008; He et al. 2018. PubMed ID: 30333007). This variant has not been reported in a large population database (gnomAD), indicating this variant is rare. Nonsense variants in PKD1 are expected to be pathogenic. This variant is interpreted as pathogenic.

Medical and Scientific Branch, Hong Kong Genome Institute
Classification: Pathogenic for Polycystic kidney disease, adult type. Last evaluated: 2026-01-26. Review status: criteria provided, single submitter. Criteria: ACMG Guidelines, 2015. Collection method: clinical testing. Allele origin: unknown. Affected: yes.

3billion
Classification: Pathogenic for Polycystic kidney disease, adult type. Last evaluated: 2025-12-08. Review status: criteria provided, single submitter. Criteria: ACMG Guidelines, 2015. Collection method: clinical testing. Allele origin: germline. Affected: yes.
Comment: The variant is observed at an extremely low frequency in the gnomAD v4.1.0 dataset (total allele frequency: <0.001%). Predicted Consequence/Location: Stop-gained (nonsense): predicted to result in a loss or disruption of normal protein function through nonsense-mediated decay (NMD) or protein truncation. Multiple pathogenic variants are reported downstream of the variant. The variant has been reported at least twice as pathogenic with clinical assertions and evidence for the classification (ClinVar ID: VCV000447999 /PMID: 11967008). Therefore, this variant is classified as Pathogenic according to the recommendation of ACMG/AMP guideline.

GeneDx
Classification: Pathogenic. Last evaluated: 2024-12-09. Review status: criteria provided, single submitter. Criteria: GeneDx Variant Classification Process June 2021. Collection method: clinical testing. Allele origin: germline. Affected: yes.
Comment: Nonsense variant predicted to result in protein truncation or nonsense mediated decay in a gene for which loss-of-function is a known mechanism of disease; Not observed at significant frequency in large population cohorts (gnomAD); This variant is associated with the following publications: (PMID: 25525159, 30333007, 11967008, BayyadE2023[Article])

Fulgent Genetics
Classification: Pathogenic for Polycystic kidney disease, adult type. Last evaluated: 2024-03-14. Review status: criteria provided, single submitter. Criteria: ACMG Guidelines, 2015. Collection method: clinical testing. Allele origin: germline.

Ambry Genetics
Classification: Pathogenic for Inborn genetic diseases. Last evaluated: 2023-08-02. Review status: criteria provided, single submitter. Criteria: Ambry Variant Classification Scheme 2023. Collection method: clinical testing. Allele origin: germline.
Comment: The c.7126C>T (p.Q2376*) alteration, located in exon 17 (coding exon 17) of the PKD1 gene, consists of a C to T substitution at nucleotide position 7126. This changes the amino acid from a glutamine (Q) to a stop codon at amino acid position 2376. This alteration is expected to result in loss of function by premature protein truncation or nonsense-mediated mRNA decay. This variant was not reported in population-based cohorts in the Genome Aggregation Database (gnomAD). This variant has been reported in multiple individuals who met clinical criteria for PKD1-related polycystic kidney disease by ultrasound criteria (Rossetti, 2002; He, 2018). Based on the available evidence, this alteration is classified as pathogenic.

Department of Pathology and Laboratory Medicine, Sinai Health System
Classification: Pathogenic for Polycystic kidney disease, adult type. Last evaluated: 2022-10-25. Review status: criteria provided, single submitter. Criteria: ACMG Guidelines, 2015. Collection method: clinical testing. Allele origin: germline. Affected: yes.

Blueprint Genetics
Classification: Pathogenic for PKD1-related disorders. Last evaluated: 2020-11-18. Review status: criteria provided, single submitter. Criteria: ACMG Guidelines, 2015. Collection method: clinical testing. Allele origin: germline. Affected: yes. Observed: 2 variant alleles.

Athena Diagnostics
Classification: Pathogenic. Last evaluated: 2017-01-30. Review status: criteria provided, single submitter. Criteria: Athena Diagnostics Criteria. Collection method: clinical testing. Allele origin: germline.

Juno Genomics, Hangzhou Juno Genomics, Inc
Classification: Pathogenic for Polycystic kidney disease, adult type. Review status: criteria provided, single submitter. Criteria: ACMG Guidelines, 2015. Collection method: clinical testing. Allele origin: germline. Affected: yes.
Comment: Absent from controls (or at extremely low frequency if recessive) in Genome Aggregation Database, Exome Sequencing Project, 1000 Genomes Project, or Exome Aggregation Consortium.;Null variant in a gene where loss of function (LOF) is a known mechanism of disease.;The prevalence of the variant in affected individuals is significantly increased compared to the prevalence in controls.;Patient's phenotype or family history is highly specific for a disease with a single genetic etiology.

Literature cited by the submitters: PubMed 11967008 (cited by 4 submitters); PubMed 30333007 (cited by Ambry Genetics); PubMed 25525159 (cited by Athena Diagnostics).

NM_001009944.3(PKD1):c.7126C>T (p.Gln2376Ter)

Gene: PKD1 (polycystin 1, transient receptor potential channel interacting; minus strand). Cytogenetic location: 16p13.3.
Variant type: single nucleotide variant.
Coding change: c.7126C>T on transcript NM_001009944.3 (MANE Select); coding-DNA position 7126, C replaced by T.
Protein change: p.Gln2376Ter; replaces glutamine 2376 with a stop codon.
Molecular consequence: nonsense.
Genome position (GRCh38, 1-based): chr16:2,106,888, G>A on the plus strand (C>T on the coding strand, the complement: PKD1 is on the minus strand). VCF-style: chr16-2106888-G-A. GRCh37 (hg19) VCF-style: chr16-2156889-G-A.
Other names: c.7126C>T, p.Gln2376Ter (NM_000296.4); short protein forms Q2376*.
Identifiers: ClinVar variation 447999 (VCV000447999.16), dbSNP rs1555453395, ClinGen allele CA394371975.